The following is an entry in ClinVar:

NM_173598.6(KSR2):c.92T>C (p.Ile31Thr)

Gene: KSR2 (kinase suppressor of ras 2; minus strand). Cytogenetic location: 12q24.23.
Variant type: single nucleotide variant.
Coding change: c.92T>C on transcript NM_173598.6 (MANE Select); coding-DNA position 92, T replaced by C.
Protein change: p.Ile31Thr; replaces isoleucine 31 with threonine.
Molecular consequence: missense variant.
Genome position (GRCh38, 1-based): chr12:117,968,164, A>G on the plus strand (T>C on the coding strand, the complement: KSR2 is on the minus strand). VCF-style: chr12-117968164-A-G. GRCh37 (hg19) VCF-style: chr12-118405969-A-G.
Other names: short protein forms I31T.
Identifiers: ClinVar variation 4997170 (VCV004997170.1).

ClinVar aggregate classification (germline): Uncertain significance (1 of 4 stars; one submission).

Conditions:
KSR2-related disorder. Also called: KSR2-related condition.

Submission:

PreventionGenetics, part of Exact Sciences
Classification: Uncertain significance for KSR2-related condition. Last evaluated: 2026-01-14. Review status: criteria provided, single submitter. Criteria: ACMG Guidelines, 2015. Collection method: clinical testing. Allele origin: germline.
Comment: The KSR2 c.5T>C variant is predicted to result in the amino acid substitution p.Ile2Thr. To our knowledge, this variant has not been reported in the literature or in a large population database (gnomAD), indicating this variant is rare. At this time, the clinical significance of this variant is uncertain due to the absence of conclusive functional and genetic evidence.